The following is an entry in ClinVar:

ClinVar aggregate classification (germline): Likely benign. Review status: criteria provided, multiple submitters, no conflicts (2 of 4 stars). 2 submissions from 2 submitters: Likely benign (2). Last evaluated 2026-06-01.

Allele frequency attached by ClinVar (database versions not stated): gnomAD 0.00009; TOPMed 0.00010; ESP Exome Variant Server 0.00016; ExAC 0.00003; gnomAD exomes 0.00004.
gnomAD v4.1: 69 of 1,601,208 alleles (0.0043%); highest among the groups gnomAD compares: Admixed American, 0.01%; no homozygotes.

Submissions (2):

CeGaT Center for Human Genetics Tuebingen
Classification: Likely benign. Last evaluated: 2026-06-01. Review status: criteria provided, single submitter. Criteria: CeGaT Center For Human Genetics Tuebingen Variant Classification Criteria Version 2. Collection method: clinical testing. Allele origin: germline. Affected: yes. Observed: 1 variant allele.
Comment: RNASEH1: BP4, BP7

Labcorp Genetics (formerly Invitae), Labcorp
Classification: Likely benign. Last evaluated: 2025-05-26. Review status: criteria provided, single submitter. Criteria: Invitae Variant Classification Sherloc (09022015). Collection method: clinical testing. Allele origin: germline.

NM_002936.6(RNASEH1):c.57C>T (p.Arg19=)

Genes: RNASEH1 (ribonuclease H1; minus strand), LOC129933002 (ATAC-STARR-seq lymphoblastoid active region 15231; plus strand). Cytogenetic location: 2p25.3.
Variant type: single nucleotide variant.
Coding change: c.57C>T on transcript NM_002936.6 (MANE Select); coding-DNA position 57, C replaced by T.
Protein change: p.Arg19=; no amino-acid change (arginine 19 retained).
Molecular consequence: synonymous variant. On other transcripts: 5 prime UTR variant (2), non-coding transcript variant (7).
Genome position (GRCh38, 1-based): chr2:3,558,204, G>A on the plus strand (C>T on the coding strand, the complement: RNASEH1 is on the minus strand). VCF-style: chr2-3558204-G-A. GRCh37 (hg19) VCF-style: chr2-3605794-G-A.
Other names: c.-22C>T (NM_001286834.3); c.-533C>T (NM_001286837.3); c.57C>T, p.Arg19= (NM_001378271.1, NM_001378272.1, NM_001378273.1).
Identifiers: ClinVar variation 1911823 (VCV001911823.7), dbSNP rs372105073, ClinGen allele CA1516451.